The following is an entry in ClinVar:

NM_001351132.2(PEX5):c.451C>T (p.Pro151Ser)

Gene: PEX5 (peroxisomal biogenesis factor 5; plus strand). Cytogenetic location: 12p13.31.
Variant type: single nucleotide variant.
Coding change: c.451C>T on transcript NM_001351132.2 (MANE Select); coding-DNA position 451, C replaced by T.
Protein change: p.Pro151Ser; replaces proline 151 with serine.
Molecular consequence: missense variant.
Genome position (GRCh38, 1-based): chr12:7,199,013, C>T. VCF-style: chr12-7199013-C-T. GRCh37 (hg19) VCF-style: chr12-7351609-C-T.
Other names: c.496C>T, p.Pro166Ser (NM_001131023.2, NM_001351135.3, NM_001351138.2); c.451C>T, p.Pro151Ser (NM_001131024.2, NM_001131025.2, NM_001131026.2 and 19 more transcripts); short protein forms P166S, P151S.
Identifiers: ClinVar variation 2131655 (VCV002131655.1), dbSNP rs1431595854, ClinGen allele CA383717184.

ClinVar aggregate classification (germline): Uncertain significance (1 of 4 stars; one submission).

Conditions:
Peroxisome biogenesis disorder 2B (PBD2B). Identifiers: Orphanet 44, MedGen C3550234, MONDO:0008736, OMIM 202370.

Allele frequency attached by ClinVar (database versions not stated): gnomAD 0.00001.

Submission:

Labcorp Genetics (formerly Invitae), Labcorp
Classification: Uncertain significance for Peroxisome biogenesis disorder 2B. Last evaluated: 2022-05-11. Review status: criteria provided, single submitter. Criteria: Invitae Variant Classification Sherloc (09022015). Collection method: clinical testing. Allele origin: germline.
Comment: This sequence change replaces proline, which is neutral and non-polar, with serine, which is neutral and polar, at codon 151 of the PEX5 protein (p.Pro151Ser). This variant is present in population databases (no rsID available, gnomAD 0.007%). This variant has not been reported in the literature in individuals affected with PEX5-related conditions. Algorithms developed to predict the effect of missense changes on protein structure and function (SIFT, PolyPhen-2, Align-GVGD) all suggest that this variant is likely to be tolerated. In summary, the available evidence is currently insufficient to determine the role of this variant in disease. Therefore, it has been classified as a Variant of Uncertain Significance.